The following is an entry in ClinVar:

ClinVar aggregate classification (germline): Pathogenic. Review status: criteria provided, multiple submitters, no conflicts (2 of 4 stars). 3 submissions from 3 submitters: Pathogenic (2). 1 of the submissions does not count toward it. Last evaluated 2023-01-27.

Conditions:
Retinitis pigmentosa 20 (RP20). Identifiers: Orphanet 791, MedGen C3151086, MONDO:0013425, OMIM 613794.
Leber congenital amaurosis 2 (LCA2). Also called: Autosomal Recessive RPE65-Related Retinal Degeneration; AMAUROSIS CONGENITA OF LEBER II. Identifiers: Orphanet 65, MedGen C1859844, MONDO:0008765, OMIM 204100. Disease mechanism: loss of function.
Leber congenital amaurosis (LCA). Also called: Leber's amaurosis. Identifiers: Orphanet 65, MedGen C0339527, MeSH D057130, MONDO:0018998.

Allele frequency attached by ClinVar (database versions not stated): ExAC 0.00001.
gnomAD v4.1: 7 of 1,613,848 alleles (0.00043%); highest among the groups gnomAD compares: South Asian, 0.0011%; no homozygotes.

Submissions (4):

Baylor Genetics
Classification: Pathogenic for Leber congenital amaurosis 2. Last evaluated: 2023-01-27. Review status: criteria provided, single submitter. Criteria: ACMG Guidelines, 2015. Collection method: clinical testing. Allele origin: unknown.

Labcorp Genetics (formerly Invitae), Labcorp
Classification: Pathogenic for Leber congenital amaurosis 2; Retinitis pigmentosa 20. Last evaluated: 2021-07-22. Review status: criteria provided, single submitter. Criteria: Invitae Variant Classification Sherloc (09022015). Collection method: clinical testing. Allele origin: germline.
Comment: This sequence change replaces glycine with cysteine at codon 32 of the RPE65 protein (p.Gly32Cys). The glycine residue is moderately conserved and there is a large physicochemical difference between glycine and cysteine. This variant also falls at the last nucleotide of exon 2, which is part of the consensus splice site for this exon. This variant is present in population databases (rs768448761, ExAC 0.002%). For these reasons, this variant has been classified as Pathogenic. Nucleotide substitutions within the consensus splice site are a relatively common cause of aberrant splicing (PMID: 17576681, 9536098). Algorithms developed to predict the effect of sequence changes on RNA splicing suggest that this variant may disrupt the consensus splice site. Algorithms developed to predict the effect of missense changes on protein structure and function are either unavailable or do not agree on the potential impact of this missense change (SIFT: "Deleterious"; PolyPhen-2: "Possibly Damaging"; Align-GVGD: "Class C0"). ClinVar contains an entry for this variant (Variation ID: 1068758). This variant has been observed in individual(s) with inherited retinal disease (PMID: 26626312, 30996589, 31273949). In at least one individual the data is consistent with the variant being in trans (on the opposite chromosome) from a pathogenic variant. It has also been observed to segregate with disease in related individuals.

Natera, Inc.
Classification: Pathogenic for Leber congenital amaurosis. Last evaluated: 2021-05-21. Review status: no assertion criteria provided. Collection method: clinical testing. Allele origin: germline. Not counted in ClinVar's aggregate classification.

Dr. Peter K. Rogan Lab, Western University
No classification provided (evidence only). Condition: Melanoma. Review status: no classification provided. Collection method: in vitro. Allele origin: not applicable. Functional consequence: retained intron. Not counted in ClinVar's aggregate classification.

Literature cited by the submitters: PubMed 17576681 (cited by Labcorp Genetics (formerly Invitae), Labcorp); PubMed 9536098 (cited by Labcorp Genetics (formerly Invitae), Labcorp); PubMed 26626312 (cited by Labcorp Genetics (formerly Invitae), Labcorp); PubMed 30996589 (cited by Labcorp Genetics (formerly Invitae), Labcorp); PubMed 31273949 (cited by Labcorp Genetics (formerly Invitae), Labcorp).

NM_000329.3(RPE65):c.94G>T (p.Gly32Cys)

Gene: RPE65 (retinoid isomerohydrolase RPE65; minus strand). Cytogenetic location: 1p31.3.
Variant type: single nucleotide variant.
Coding change: c.94G>T on transcript NM_000329.3 (MANE Select); coding-DNA position 94, G replaced by T.
Protein change: p.Gly32Cys; replaces glycine 32 with cysteine.
Molecular consequence: missense variant.
Genome position (GRCh38, 1-based): chr1:68,448,624, C>A on the plus strand (G>T on the coding strand, the complement: RPE65 is on the minus strand). VCF-style: chr1-68448624-C-A. GRCh37 (hg19) VCF-style: chr1-68914307-C-A.
Other names: short protein forms G32C.
Identifiers: ClinVar variation 1068758 (VCV001068758.10), dbSNP rs768448761, ClinGen allele CA902623.